The following is an entry in ClinVar:

ClinVar aggregate classification (germline): Uncertain significance. Review status: criteria provided, multiple submitters, no conflicts (2 of 4 stars). 2 submissions from 2 submitters: Uncertain significance (2). Last evaluated 2025-09-15.

Conditions:
Charcot-Marie-Tooth disease type 4. Also called: Charcot-Marie-Tooth disease, type IV; Charcot-Marie-Tooth, Type 4. Identifiers: Orphanet 64749, MedGen C4082197, MONDO:0018995.
Inborn genetic diseases. Identifiers: MedGen C0950123, MeSH D030342.

Allele frequency attached by ClinVar (database versions not stated): TOPMed below 0.00001.
gnomAD v4.1: 2 of 1,613,978 alleles (0.00012%); highest among the groups gnomAD compares: Non-Finnish European, 0.00017%; no homozygotes.

Submissions (2):

Labcorp Genetics (formerly Invitae), Labcorp
Classification: Uncertain significance for Charcot-Marie-Tooth disease type 4. Last evaluated: 2025-09-15. Review status: criteria provided, single submitter. Criteria: Invitae Variant Classification Sherloc (09022015). Collection method: clinical testing. Allele origin: germline.
Comment: This sequence change replaces proline, which is neutral and non-polar, with leucine, which is neutral and non-polar, at codon 404 of the SH3TC2 protein (p.Pro404Leu). This variant is not present in population databases (gnomAD no frequency). This variant has not been reported in the literature in individuals affected with SH3TC2-related conditions. ClinVar contains an entry for this variant (Variation ID: 854583). Invitae Evidence Modeling of protein sequence and biophysical properties (such as structural, functional, and spatial information, amino acid conservation, physicochemical variation, residue mobility, and thermodynamic stability) indicates that this missense variant is not expected to disrupt SH3TC2 protein function with a negative predictive value of 95%. In summary, the available evidence is currently insufficient to determine the role of this variant in disease. Therefore, it has been classified as a Variant of Uncertain Significance.

Ambry Genetics
Classification: Uncertain significance for Inborn genetic diseases. Last evaluated: 2023-07-24. Review status: criteria provided, single submitter. Criteria: Ambry Variant Classification Scheme 2023. Collection method: clinical testing. Allele origin: germline.

NM_024577.4(SH3TC2):c.1211C>T (p.Pro404Leu)

Gene: SH3TC2 (SH3 domain and tetratricopeptide repeats 2; minus strand). Cytogenetic location: 5q32.
Variant type: single nucleotide variant.
Coding change: c.1211C>T on transcript NM_024577.4 (MANE Select); coding-DNA position 1211, C replaced by T.
Protein change: p.Pro404Leu; replaces proline 404 with leucine.
Molecular consequence: missense variant.
Genome position (GRCh38, 1-based): chr5:149,028,521, G>A on the plus strand (C>T on the coding strand, the complement: SH3TC2 is on the minus strand). VCF-style: chr5-149028521-G-A. GRCh37 (hg19) VCF-style: chr5-148408084-G-A.
Other names: short protein forms P404L.
Identifiers: ClinVar variation 854583 (VCV000854583.11), dbSNP rs774001683, ClinGen allele CA361669545.